The following is an entry in ClinVar:

GRCh38/hg38 16q24.3(chr16:89582242-89623414)x3

Genes: CPNE7 (copine 7; plus strand), DPEP1 (dipeptidase 1; plus strand). Cytogenetic location: 16q24.3.
Variant type: copy number gain.
Change: copy number 3 (three copies instead of two) of chr16:89,582,242-89,623,414 (41.2 kb, GRCh38 coordinates, 1-based), cytogenetic band 16q24.3.
Identifiers: ClinVar variation 152598 (VCV000152598.1).

ClinVar aggregate classification (germline): Benign/Likely benign (0 of 4 stars; one submission).

Submission:

GeneDx
Classification: Benign/Likely benign. Last evaluated: 2011-04-30. Review status: no assertion criteria provided. Collection method: clinical testing. Allele origin: not provided. Affected: yes. Observed: 3 variant alleles. Clinical features observed: Developmental delay AND/OR other significant developmental or morphological phenotypes.
Comment: Likely benign (2), Benign (1)